The following is an entry in ClinVar:

NM_000208.4(INSR):c.2164G>T (p.Glu722Ter)

Gene: INSR (insulin receptor; minus strand). Cytogenetic location: 19p13.2.
Variant type: single nucleotide variant.
Coding change: c.2164G>T on transcript NM_000208.4 (MANE Select); coding-DNA position 2164, G replaced by T.
Protein change: p.Glu722Ter; replaces glutamic acid 722 with a stop codon.
Molecular consequence: nonsense.
Genome position (GRCh38, 1-based): chr19:7,152,793, C>A on the plus strand (G>T on the coding strand, the complement: INSR is on the minus strand). VCF-style: chr19-7152793-C-A. GRCh37 (hg19) VCF-style: chr19-7152804-C-A.
Other names: c.2164G>T, p.Glu722Ter (NM_001079817.3); short protein forms E722*.
Identifiers: ClinVar variation 3639761 (VCV003639761.2).

ClinVar aggregate classification (germline): Pathogenic (1 of 4 stars; one submission).

Submission:

Labcorp Genetics (formerly Invitae), Labcorp
Classification: Pathogenic. Last evaluated: 2024-06-25. Review status: criteria provided, single submitter. Criteria: Invitae Variant Classification Sherloc (09022015). Collection method: clinical testing. Allele origin: germline.
Comment: This sequence change creates a premature translational stop signal (p.Glu722*) in the INSR gene. It is expected to result in an absent or disrupted protein product. Loss-of-function variants in INSR are known to be pathogenic (PMID: 12023989, 26160152). This variant is not present in population databases (gnomAD no frequency). This variant has not been reported in the literature in individuals affected with INSR-related conditions. Algorithms developed to predict the effect of sequence changes on RNA splicing suggest that this variant may create or strengthen a splice site. For these reasons, this variant has been classified as Pathogenic.

Literature cited by the submitters: PubMed 12023989; PubMed 26160152.